The following is an entry in ClinVar:

ClinVar aggregate classification (germline): Uncertain significance (1 of 4 stars; one submission).

Submission:

Labcorp Genetics (formerly Invitae), Labcorp
Classification: Uncertain significance. Last evaluated: 2024-10-29. Review status: criteria provided, single submitter. Criteria: Invitae Variant Classification Sherloc (09022015). Collection method: clinical testing. Allele origin: germline.
Comment: This sequence change replaces glutamine, which is neutral and polar, with arginine, which is basic and polar, at codon 1266 of the FAT4 protein (p.Gln1266Arg). This variant is not present in population databases (gnomAD no frequency). This variant has not been reported in the literature in individuals affected with FAT4-related conditions. ClinVar contains an entry for this variant (Variation ID: 1368995). Invitae Evidence Modeling of protein sequence and biophysical properties (such as structural, functional, and spatial information, amino acid conservation, physicochemical variation, residue mobility, and thermodynamic stability) indicates that this missense variant is not expected to disrupt FAT4 protein function with a negative predictive value of 95%. In summary, the available evidence is currently insufficient to determine the role of this variant in disease. Therefore, it has been classified as a Variant of Uncertain Significance.

NM_001291303.3(FAT4):c.3797A>G (p.Gln1266Arg)

Gene: FAT4 (FAT atypical cadherin 4; plus strand). Cytogenetic location: 4q28.1.
Variant type: single nucleotide variant.
Coding change: c.3797A>G on transcript NM_001291303.3 (MANE Select); coding-DNA position 3797, A replaced by G.
Protein change: p.Gln1266Arg; replaces glutamine 1266 with arginine.
Molecular consequence: missense variant.
Genome position (GRCh38, 1-based): chr4:125,320,208, A>G. VCF-style: chr4-125320208-A-G. GRCh37 (hg19) VCF-style: chr4-126241363-A-G.
Other names: c.3797A>G, p.Gln1266Arg (NM_001291285.3, NM_024582.6); short protein forms Q1266R.
Identifiers: ClinVar variation 1368995 (VCV001368995.8), dbSNP rs2125943945, ClinGen allele CA358124763.